The following is an entry in ClinVar:

NM_001375524.1(TRRAP):c.388C>A (p.Leu130Ile)

Gene: TRRAP (transformation/transcription domain associated protein; plus strand). Cytogenetic location: 7q22.1.
Variant type: single nucleotide variant.
Coding change: c.388C>A on transcript NM_001375524.1 (MANE Select); coding-DNA position 388, C replaced by A.
Protein change: p.Leu130Ile; replaces leucine 130 with isoleucine.
Molecular consequence: missense variant.
Genome position (GRCh38, 1-based): chr7:98,893,819, C>A. VCF-style: chr7-98893819-C-A. GRCh37 (hg19) VCF-style: chr7-98491442-C-A.
Other names: c.388C>A, p.Leu130Ile (NM_001244580.2, NM_003496.4); short protein forms L130I.
Identifiers: ClinVar variation 2190907 (VCV002190907.4), dbSNP rs200803559, ClinGen allele CA4359227.

ClinVar aggregate classification (germline): Uncertain significance (1 of 4 stars; one submission).

Allele frequency attached by ClinVar (database versions not stated): gnomAD 0.00004; TOPMed 0.00004; ExAC 0.00005; gnomAD exomes 0.00005; ESP Exome Variant Server 0.00008; 1000 Genomes Project 30x 0.00016; 1000 Genomes Project 0.00020.
gnomAD v4.1: 77 of 1,613,118 alleles (0.0048%); highest among the groups gnomAD compares: Non-Finnish European, 0.0064%; no homozygotes.

Submission:

Labcorp Genetics (formerly Invitae), Labcorp
Classification: Uncertain significance. Last evaluated: 2025-07-02. Review status: criteria provided, single submitter. Criteria: Invitae Variant Classification Sherloc (09022015). Collection method: clinical testing. Allele origin: germline.
Comment: This sequence change replaces leucine, which is neutral and non-polar, with isoleucine, which is neutral and non-polar, at codon 130 of the TRRAP protein (p.Leu130Ile). This variant is present in population databases (rs200803559, gnomAD 0.007%). This variant has not been reported in the literature in individuals affected with TRRAP-related conditions. ClinVar contains an entry for this variant (Variation ID: 2190907). Invitae Evidence Modeling of protein sequence and biophysical properties (such as structural, functional, and spatial information, amino acid conservation, physicochemical variation, residue mobility, and thermodynamic stability) indicates that this missense variant is not expected to disrupt TRRAP protein function with a negative predictive value of 80%. In summary, the available evidence is currently insufficient to determine the role of this variant in disease. Therefore, it has been classified as a Variant of Uncertain Significance.